The following is an entry in ClinVar:

ClinVar aggregate classification (germline): Likely benign (0 of 4 stars; one submission).

Conditions:
COL18A1-related disorder. Also called: COL18A1-related disorders; COL18A1-related condition.

Allele frequency attached by ClinVar (database versions not stated): gnomAD exomes 0.00001; TOPMed 0.00002; gnomAD 0.00003; ExAC 0.00005.
gnomAD v4.1: 27 of 1,549,906 alleles (0.0017%); highest among the groups gnomAD compares: Middle Eastern, 0.017%; no homozygotes.

Submission:

PreventionGenetics, part of Exact Sciences
Classification: Likely benign for COL18A1-related condition. Last evaluated: 2019-03-26. Review status: no assertion criteria provided. Collection method: clinical testing. Allele origin: germline.
Comment: This variant is classified as likely benign based on ACMG/AMP sequence variant interpretation guidelines (Richards et al. 2015 PMID: 25741868, with internal and published modifications).

NM_001379500.1(COL18A1):c.107-11874G>A

Gene: COL18A1 (collagen type XVIII alpha 1 chain; plus strand). Cytogenetic location: 21q22.3.
Variant type: single nucleotide variant.
Coding change: c.107-11874G>A on transcript NM_001379500.1 (MANE Select); 11874 bases into the intron before coding-DNA position 107, G replaced by A.
Molecular consequence: intron variant. On other transcripts: missense variant (1).
Genome position (GRCh38, 1-based): chr21:45,456,368, G>A. VCF-style: chr21-45456368-G-A. GRCh37 (hg19) VCF-style: chr21-46876282-G-A.
Other names: c.838G>A, p.Ala280Thr (NM_130444.3); c.646+192G>A (NM_030582.4); short protein forms A280T.
Identifiers: ClinVar variation 3046730 (VCV003046730.2), dbSNP rs557847592, ClinGen allele CA10065585.